The following is an entry in ClinVar:

ClinVar aggregate classification (germline): Uncertain significance. Review status: criteria provided, multiple submitters, no conflicts (2 of 4 stars). 4 submissions from 4 submitters: Uncertain significance (4). Last evaluated 2025-11-11.

Conditions:
Hereditary breast ovarian cancer syndrome. Also called: Hereditary breast and ovarian cancer syndrome (HBOC); Hereditary breast and ovarian cancer; BRCA1- and BRCA2-Associated Hereditary Breast and Ovarian Cancer; Breast and ovarian cancer; Hereditary breast and ovarian cancer syndrome; Hereditary breast and/or ovarian cancer syndrome. Identifiers: Orphanet 145, MedGen C0677776, MeSH D061325, MONDO:0003582. Disease mechanism: loss of function.
Breast-ovarian cancer, familial, susceptibility to, 1 (BROVCA1). Also called: OVARIAN CANCER, SUSCEPTIBILITY TO; BRCA1 Hereditary Breast and Ovarian Cancer. Identifiers: Orphanet 145, MedGen C2676676, MONDO:0011450, OMIM 604370. Disease mechanism: loss of function.
Hereditary cancer-predisposing syndrome. Also called: Hereditary neoplastic syndrome; Tumor predisposition; Hereditary Cancer Syndrome; Neoplastic Syndromes, Hereditary. Identifiers: Orphanet 140162, MedGen C0027672, MeSH D009386, MONDO:0015356.

Submissions (4):

Labcorp Genetics (formerly Invitae), Labcorp
Classification: Uncertain significance for Hereditary breast ovarian cancer syndrome. Last evaluated: 2025-11-11. Review status: criteria provided, single submitter. Criteria: Invitae Variant Classification Sherloc (09022015). Collection method: clinical testing. Allele origin: germline.
Comment: This sequence change falls in intron 9 of the BRCA1 gene. It does not directly change the encoded amino acid sequence of the BRCA1 protein. Loss-of-function variants in BRCA1 are expected to be pathogenic (PMID: 20104584). However, an in-frame BRCA1 isoform lacking exons 8 and 9 (also known as exons 9 and 10) is highly expressed in blood from unaffected individuals and in normal breast tissue; this isoform may retain protein function and could functionally rescue loss-of-function variants within exons 8-9 (PMID: 24569164). This variant is not present in population databases (gnomAD no frequency). This variant has not been reported in the literature in individuals affected with BRCA1-related conditions. ClinVar contains an entry for this variant (Variation ID: 630094). Variants that disrupt the consensus splice site are a relatively common cause of aberrant splicing (PMID: 17576681, 9536098). Studies have shown this variant is associated with multiple isoforms, but one or more of the resulting mRNA isoform(s) may be naturally occurring (PMID: 24569164, 32398771; internal data). In summary, the available evidence is currently insufficient to determine the role of this variant in disease. Therefore, it has been classified as a Variant of Uncertain Significance.

Molecular Pathology, Peter Maccallum Cancer Centre
Classification: Uncertain significance for Breast-ovarian cancer, familial, susceptibility to, 1. Last evaluated: 2025-05-01. Review status: criteria provided, single submitter. Criteria: ACMG Guidelines, 2015. Collection method: clinical testing. Allele origin: germline. Inheritance: Autosomal dominant inheritance.

Blueprint Genetics
Classification: Uncertain significance. Last evaluated: 2022-07-13. Review status: criteria provided, single submitter. Criteria: ACMG Guidelines, 2015. Collection method: clinical testing. Allele origin: germline.

Color Diagnostics, LLC DBA Color Health
Classification: Uncertain significance for Hereditary cancer-predisposing syndrome. Last evaluated: 2019-04-23. Review status: criteria provided, single submitter. Criteria: ACMG Guidelines, 2015. Collection method: clinical testing. Allele origin: germline.

Literature cited by the submitters: PubMed 20104584 (cited by Labcorp Genetics (formerly Invitae), Labcorp); PubMed 24569164 (cited by Labcorp Genetics (formerly Invitae), Labcorp); PubMed 17576681 (cited by Labcorp Genetics (formerly Invitae), Labcorp); PubMed 9536098 (cited by Labcorp Genetics (formerly Invitae), Labcorp); PubMed 32398771 (cited by Labcorp Genetics (formerly Invitae), Labcorp).

NM_007294.4(BRCA1):c.670+4A>G

Gene: BRCA1 (BRCA1 DNA repair associated; minus strand). Cytogenetic location: 17q21.31.
Variant type: single nucleotide variant.
Coding change: c.670+4A>G on transcript NM_007294.4 (MANE Select); 4 bases into the intron after coding-DNA position 670, A replaced by G.
Molecular consequence: intron variant.
Genome position (GRCh38, 1-based): chr17:43,095,842, T>C on the plus strand (A>G on the coding strand, the complement: BRCA1 is on the minus strand). VCF-style: chr17-43095842-T-C. GRCh37 (hg19) VCF-style: chr17-41247859-T-C.
Other names: c.-218-982A>G (NM_001407967.1, NM_001407966.1); c.289+4A>G (NM_001407959.1, NM_001408510.1, NM_001407963.1 and 1 more transcripts); c.404-982A>G (NM_001407931.1, NM_001407932.1, NM_001408503.1 and 5 more transcripts); c.526+4A>G (NM_001407747.1, NM_001408470.1, NM_001407848.1 and 26 more transcripts); c.286+4A>G (NM_001407962.1); c.167-982A>G (NM_001408512.1, NM_001407965.1); c.460+4A>G (NM_001407885.1, NM_001407886.1, NM_001407881.1 and 27 more transcripts); c.407-982A>G (NM_001407922.1, NM_001408498.1, NM_001407928.1 and 15 more transcripts); and 17 more.
Identifiers: ClinVar variation 630094 (VCV000630094.12), dbSNP rs917516811, ClinGen allele CA290811924.
Genomic context (GRCh38, chr17:43,095,842, plus strand): 5'-TTACAGTACTGTATCTACCCACTCTCTTTTCAGTGCCTGTTAAGTTGGCAAACTTTGCCA[T>C]TACCCTTTTTTGCAGAATCCAAACTGATTTCATCCCTGGTTCCTTGAGGGGTGATTTGTA-3'